The following is an entry in ClinVar:

NM_024675.4(PALB2):c.2431C>T (p.Pro811Ser)

Gene: PALB2 (partner and localizer of BRCA2; minus strand). Cytogenetic location: 16p12.2.
Variant type: single nucleotide variant.
Coding change: c.2431C>T on transcript NM_024675.4 (MANE Select); coding-DNA position 2431, C replaced by T.
Protein change: p.Pro811Ser; replaces proline 811 with serine.
Molecular consequence: missense variant.
Genome position (GRCh38, 1-based): chr16:23,629,723, G>A on the plus strand (C>T on the coding strand, the complement: PALB2 is on the minus strand). VCF-style: chr16-23629723-G-A. GRCh37 (hg19) VCF-style: chr16-23641044-G-A.
Other names: short protein forms P811S.
Identifiers: ClinVar variation 490076 (VCV000490076.20), dbSNP rs866520250, ClinGen allele CA279492073.

ClinVar aggregate classification (germline): Uncertain significance. Review status: criteria provided, multiple submitters, no conflicts (2 of 4 stars). 3 submissions from 3 submitters: Uncertain significance (3). Last evaluated 2024-12-22.

Conditions:
Familial cancer of breast. Also called: Hereditary breast cancer; BREAST CANCER, FAMILIAL; hereditary breast carcinoma. Identifiers: Orphanet 227535, MedGen C0346153, MONDO:0016419, OMIM 114480. Disease mechanism: loss of function.
Hereditary cancer-predisposing syndrome. Also called: Hereditary Cancer Syndrome; Neoplastic Syndromes, Hereditary; Tumor predisposition; Hereditary neoplastic syndrome. Identifiers: Orphanet 140162, MedGen C0027672, MeSH D009386, MONDO:0015356.

Allele frequency attached by ClinVar (database versions not stated): gnomAD exomes below 0.00001.
gnomAD v4.1: 3 of 1,614,194 alleles (0.00019%); highest among the groups gnomAD compares: Non-Finnish European, 0.00025%; no homozygotes.

Submissions (3):

Labcorp Genetics (formerly Invitae), Labcorp
Classification: Uncertain significance for Familial cancer of breast. Last evaluated: 2024-12-22. Review status: criteria provided, single submitter. Criteria: Invitae Variant Classification Sherloc (09022015). Collection method: clinical testing. Allele origin: germline.
Comment: This sequence change replaces proline, which is neutral and non-polar, with serine, which is neutral and polar, at codon 811 of the PALB2 protein (p.Pro811Ser). This variant is not present in population databases (gnomAD no frequency). This variant has not been reported in the literature in individuals affected with PALB2-related conditions. ClinVar contains an entry for this variant (Variation ID: 490076). Invitae Evidence Modeling of protein sequence and biophysical properties (such as structural, functional, and spatial information, amino acid conservation, physicochemical variation, residue mobility, and thermodynamic stability) indicates that this missense variant is not expected to disrupt PALB2 protein function with a negative predictive value of 80%. In summary, the available evidence is currently insufficient to determine the role of this variant in disease. Therefore, it has been classified as a Variant of Uncertain Significance.

Color Diagnostics, LLC DBA Color Health
Classification: Uncertain significance for Hereditary cancer-predisposing syndrome. Last evaluated: 2023-01-24. Review status: criteria provided, single submitter. Criteria: ACMG Guidelines, 2015. Collection method: clinical testing. Allele origin: germline.
Comment: This missense variant replaces proline with serine at codon 811 of the PALB2 protein. Computational prediction suggests that this variant may not impact protein structure and function (internally defined REVEL score threshold <= 0.5, PMID: 27666373). To our knowledge, functional studies have not been reported for this variant. This variant has been reported in one individual each affected with ovarian cancer and skin cancer (PMID: 34206535). This variant has not been identified in the general population by the Genome Aggregation Database (gnomAD). The available evidence is insufficient to determine the role of this variant in disease conclusively. Therefore, this variant is classified as a Variant of Uncertain Significance.

Ambry Genetics
Classification: Uncertain significance for Hereditary cancer-predisposing syndrome. Last evaluated: 2019-11-26. Review status: criteria provided, single submitter. Criteria: Ambry Variant Classification Scheme 2023. Collection method: clinical testing. Allele origin: germline.
Comment: The p.P811S variant (also known as c.2431C>T), located in coding exon 5 of the PALB2 gene, results from a C to T substitution at nucleotide position 2431. The proline at codon 811 is replaced by serine, an amino acid with similar properties. This amino acid position is not well conserved in available vertebrate species. In addition, this alteration is predicted to be tolerated by in silico analysis. Since supporting evidence is limited at this time, the clinical significance of this alteration remains unclear.

Literature cited by the submitters: PubMed 34206535 (cited by Color Diagnostics, LLC DBA Color Health).